The following is an entry in ClinVar:

NM_001347721.2(DYRK1A):c.1714A>G (p.Thr572Ala)

Gene: DYRK1A (dual specificity tyrosine phosphorylation regulated kinase 1A; plus strand). Cytogenetic location: 21q22.13.
Variant type: single nucleotide variant.
Coding change: c.1714A>G on transcript NM_001347721.2 (MANE Select); coding-DNA position 1714, A replaced by G.
Protein change: p.Thr572Ala; replaces threonine 572 with alanine.
Molecular consequence: missense variant. On other transcripts: 3 prime UTR variant (2).
Genome position (GRCh38, 1-based): chr21:37,511,980, A>G. VCF-style: chr21-37511980-A-G. GRCh37 (hg19) VCF-style: chr21-38884283-A-G.
Other names: c.1714A>G, p.Thr572Ala (NM_001347722.2, NM_130436.2); c.1627A>G, p.Thr543Ala (NM_001347723.2); c.1741A>G, p.Thr581Ala (NM_001396.5); c.*117A>G (NM_101395.2); c.*26A>G (NM_130438.2); c.1741A>G (NM_001396.4); short protein forms T581A, T572A, T543A.
Identifiers: ClinVar variation 1029335 (VCV001029335.4), dbSNP rs2053762752, ClinGen allele CA409939416.
Genomic context (GRCh38, chr21:37,511,980, plus strand): 5'-CAATTTCCTGCTCCTCTTGGTTGGTCAGGCACTGAAGCTCCTACACAGGTCACTGTTGAA[A>G]CTCATCCTGTTCAAGAAACAACCTTTCATGTAGCCCCTCAACAGAATGCATTGCATCATC-3'
Protein context (NP_001334650.1, residues 562-582): TEAPTQVTVE[Thr572Ala]HPVQETTFHV

ClinVar aggregate classification (germline): Uncertain significance. Review status: criteria provided, multiple submitters, no conflicts (2 of 4 stars). 2 submissions from 2 submitters: Uncertain significance (2). Last evaluated 2022-01-02.

Conditions:
DYRK1A-related intellectual disability syndrome (MRD7). Also called: Intellectual developmental disorder, autosomal dominant 7; DYRK1A Syndrome. Identifiers: Orphanet 464306, MedGen C5568143, MONDO:0013578, OMIM 614104.

Allele frequency attached by ClinVar (database versions not stated): gnomAD exomes below 0.00001.
gnomAD v4.1: 1 of 1,614,020 alleles (0.000062%); highest among the groups gnomAD compares: Non-Finnish European, 0.000085%; no homozygotes.

Submissions (2):

Revvity Omics, Revvity
Classification: Uncertain significance for DYRK1A-related intellectual disability syndrome. Last evaluated: 2022-01-02. Review status: criteria provided, single submitter. Criteria: ACMG Guidelines, 2015. Collection method: clinical testing. Allele origin: germline.

Baylor Genetics
Classification: Uncertain significance for DYRK1A-related intellectual disability syndrome. Last evaluated: 2019-12-19. Review status: criteria provided, single submitter. Criteria: ACMG Guidelines, 2015. Collection method: clinical testing. Allele origin: unknown. Affected: yes.
Comment: This variant was determined to be of uncertain significance according to ACMG Guidelines, 2015 [PMID:25741868].